The following is an entry in ClinVar:

NM_001384140.1(PCDH15):c.2612C>T (p.Thr871Ile)

Gene: PCDH15 (protocadherin related 15; minus strand). Cytogenetic location: 10q21.1.
Variant type: single nucleotide variant.
Coding change: c.2612C>T on transcript NM_001384140.1 (MANE Select); coding-DNA position 2612, C replaced by T.
Protein change: p.Thr871Ile; replaces threonine 871 with isoleucine.
Molecular consequence: missense variant.
Genome position (GRCh38, 1-based): chr10:54,020,331, G>A on the plus strand (C>T on the coding strand, the complement: PCDH15 is on the minus strand). VCF-style: chr10-54020331-G-A. GRCh37 (hg19) VCF-style: chr10-55780091-G-A.
Other names: c.2627C>T, p.Thr876Ile (NM_001142763.2, NM_001142771.2); c.2612C>T, p.Thr871Ile (NM_001142764.2, NM_001142766.2, NM_001142770.3 and 5 more transcripts); c.2399C>T, p.Thr800Ile (NM_001142765.2); c.2501C>T, p.Thr834Ile (NM_001142767.2); c.2546C>T, p.Thr849Ile (NM_001142768.2, NM_001142773.2, NM_001354404.2); c.2648C>T, p.Thr883Ile (NM_001142769.4); c.2633C>T, p.Thr878Ile (NM_001354411.2); short protein forms T800I, T834I, T849I, T871I, T876I, T878I, T883I.
Identifiers: ClinVar variation 3776368 (VCV003776368.1).

ClinVar aggregate classification (germline): Uncertain significance (1 of 4 stars; one submission).

gnomAD v4.1: 3 of 1,613,730 alleles (0.00019%); highest among the groups gnomAD compares: African/African-American, 0.004%; no homozygotes.

Submission:

GeneDx
Classification: Uncertain significance. Last evaluated: 2024-10-02. Review status: criteria provided, single submitter. Criteria: GeneDx Variant Classification Process June 2021. Collection method: clinical testing. Allele origin: germline. Affected: yes.
Comment: In silico analysis supports that this missense variant has a deleterious effect on protein structure/function; Has not been previously published as pathogenic or benign to our knowledge